The following is an entry in ClinVar:

ClinVar aggregate classification (germline): Likely pathogenic (1 of 4 stars; one submission).

Conditions:
Fanconi anemia (FA). Also called: Fanconi's anemia. Identifiers: Orphanet 84, MedGen C0015625, MeSH D005199, MONDO:0019391.

Submission:

Labcorp Genetics (formerly Invitae), Labcorp
Classification: Likely pathogenic for Fanconi anemia. Last evaluated: 2023-09-29. Review status: criteria provided, single submitter. Criteria: Invitae Variant Classification Sherloc (09022015). Collection method: clinical testing. Allele origin: germline.
Comment: This sequence change affects an acceptor splice site in intron 7 of the FANCG gene. It is expected to disrupt RNA splicing. Variants that disrupt the donor or acceptor splice site typically lead to a loss of protein function (PMID: 16199547), and loss-of-function variants in FANCG are known to be pathogenic (PMID: 12552564). This variant is not present in population databases (gnomAD no frequency). This variant has not been reported in the literature in individuals affected with FANCG-related conditions. Algorithms developed to predict the effect of sequence changes on RNA splicing suggest that this variant may disrupt the consensus splice site. In summary, the currently available evidence indicates that the variant is pathogenic, but additional data are needed to prove that conclusively. Therefore, this variant has been classified as Likely Pathogenic.

Literature cited by the submitters: PubMed 16199547; PubMed 12552564.

NM_004629.2(FANCG):c.925-1G>T

Gene: FANCG (FA complementation group G; minus strand). Cytogenetic location: 9p13.3.
Variant type: single nucleotide variant.
Coding change: c.925-1G>T on transcript NM_004629.2 (MANE Select); the canonical splice acceptor site of the intron before coding-DNA position 925, G replaced by T.
Molecular consequence: splice acceptor variant.
Genome position (GRCh38, 1-based): chr9:35,076,584, C>A on the plus strand (G>T on the coding strand, the complement: FANCG is on the minus strand). VCF-style: chr9-35076584-C-A. GRCh37 (hg19) VCF-style: chr9-35076581-C-A.
Identifiers: ClinVar variation 2764137 (VCV002764137.3), dbSNP rs2490401769, ClinGen allele CA373311340.